The following is an entry in ClinVar:

ClinVar aggregate classification (germline): Uncertain significance (1 of 4 stars; one submission).

gnomAD v4.1: 1 of 1,589,310 alleles (0.000063%); highest among the groups gnomAD compares: Non-Finnish European, 0.000086%; no homozygotes.

Submission:

Ambry Genetics
Classification: Uncertain significance. Last evaluated: 2025-10-12. Review status: criteria provided, single submitter. Criteria: Ambry Variant Classification Scheme 2023. Collection method: clinical testing. Allele origin: germline.
Comment: The p.L568F variant (also known as c.1702C>T), located in coding exon 17 of the NEBL gene, results from a C to T substitution at nucleotide position 1702. The leucine at codon 568 is replaced by phenylalanine, an amino acid with highly similar properties. This amino acid position is conserved. In addition, this alteration is predicted to be tolerated by in silico analysis. Based on the available evidence, the clinical significance of this variant remains unclear.

NM_006393.3(NEBL):c.1702C>T (p.Leu568Phe)

Gene: NEBL (nebulette; minus strand). Cytogenetic location: 10p12.31.
Variant type: single nucleotide variant.
Coding change: c.1702C>T on transcript NM_006393.3 (MANE Select); coding-DNA position 1702, C replaced by T.
Protein change: p.Leu568Phe; replaces leucine 568 with phenylalanine.
Molecular consequence: missense variant. On other transcripts: intron variant (9).
Genome position (GRCh38, 1-based): chr10:20,828,604, G>A on the plus strand (C>T on the coding strand, the complement: NEBL is on the minus strand). VCF-style: chr10-20828604-G-A. GRCh37 (hg19) VCF-style: chr10-21117533-G-A.
Other names: c.250-15664C>T (NM_001377326.1, NM_001377327.1, NM_001377328.1); c.358-15664C>T (NM_213569.2, NM_001173484.2, NM_001377322.1); c.301-15664C>T (NM_001377324.1); c.292-15664C>T (NM_001377325.1); c.310-15664C>T (NM_001377323.1); short protein forms L568F.
Identifiers: ClinVar variation 4556733 (VCV004556733.1).